The following is an entry in ClinVar:

NM_001184880.2(PCDH19):c.2901dup (p.Asp968Ter)

Gene: PCDH19 (protocadherin 19; minus strand). Cytogenetic location: Xq22.1.
Variant type: Duplication.
Coding change: c.2901dup on transcript NM_001184880.2 (MANE Select); coding-DNA position 2901, one base duplicated (T; older notation c.2901dupT).
Protein change: p.Asp968Ter; replaces aspartic acid 968 with a stop codon.
Molecular consequence: nonsense.
Genome position (GRCh38, 1-based): chrX:100,296,823, A duplicated on the plus strand (T on the coding strand, the reverse complement: PCDH19 is on the minus strand). VCF-style (leftmost placement, unchanged base first): chrX-100296822-C-CA. GRCh37 (hg19) VCF-style: chrX-99551820-C-CA.
Other names: c.2760dup, p.Asp921Ter (NM_001105243.2); c.2757dup, p.Asp920Ter (NM_020766.3); short protein forms D920*, D968*, D921*.
Identifiers: ClinVar variation 2017591 (VCV002017591.4), dbSNP rs2520449652, ClinGen allele CA2580100037.

ClinVar aggregate classification (germline): Pathogenic (1 of 4 stars; one submission).

Conditions:
Developmental and epileptic encephalopathy, 9 (DEE9). Also called: Early infantile epileptic encephalopathy 9; JUBERG-HELLMAN SYNDROME; EPILEPSY, FEMALE-RESTRICTED, WITH MENTAL RETARDATION; PCDH19-Related X-Linked Female-Limited Epilepsy with Mental Retardation. Identifiers: Orphanet 101039, Orphanet 2076, MedGen C1848137, MONDO:0010246, OMIM 300088. Disease mechanism: loss of function.

Submission:

Labcorp Genetics (formerly Invitae), Labcorp
Classification: Pathogenic for Developmental and epileptic encephalopathy, 9. Last evaluated: 2023-06-13. Review status: criteria provided, single submitter. Criteria: Invitae Variant Classification Sherloc (09022015). Collection method: clinical testing. Allele origin: germline.
Comment: This sequence change creates a premature translational stop signal (p.Asp968*) in the PCDH19 gene. While this is not anticipated to result in nonsense mediated decay, it is expected to disrupt the last 181 amino acid(s) of the PCDH19 protein. This variant is not present in population databases (gnomAD no frequency). This variant has not been reported in the literature in individuals affected with PCDH19-related conditions. ClinVar contains an entry for this variant (Variation ID: 2017591). This variant disrupts a region of the PCDH19 protein in which other variant(s) (p.Tyr1083Serfs*47) have been determined to be pathogenic (Invitae). This suggests that this is a clinically significant region of the protein, and that variants that disrupt it are likely to be disease-causing. For these reasons, this variant has been classified as Pathogenic.